The following is an entry in ClinVar:

NM_000829.4(GRIA4):c.1154G>C (p.Arg385Thr)

Gene: GRIA4 (glutamate ionotropic receptor AMPA type subunit 4; plus strand). Cytogenetic location: 11q22.3.
Variant type: single nucleotide variant.
Coding change: c.1154G>C on transcript NM_000829.4 (MANE Select); coding-DNA position 1154, G replaced by C.
Protein change: p.Arg385Thr; replaces arginine 385 with threonine.
Molecular consequence: missense variant. On other transcripts: non-coding transcript variant (1).
Genome position (GRCh38, 1-based): chr11:105,905,297, G>C. VCF-style: chr11-105905297-G-C. GRCh37 (hg19) VCF-style: chr11-105776023-G-C.
Other names: c.1154G>C, p.Arg385Thr (NM_001077243.3, NM_001077244.2, NM_001112812.2 and 20 more transcripts); short protein forms R385T.
Identifiers: ClinVar variation 5008958 (VCV005008958.1).
Genomic context (GRCh38, chr11:105,905,297, plus strand): 5'-ACTATGGACGTAGAGTCAATTACACAATGGATGTGTTTGAGCTGAAAAGCACAGGACCTA[G>C]AAAGGTGAGCCACGATCAAACTGAAAAACAGAATTCTCTGTTTCTTAGTTTGTATGTAAC-3'
Protein context (NP_000820.4, residues 375-395): DVFELKSTGP[Arg385Thr]KVGYWNDMDK

ClinVar aggregate classification (germline): Uncertain significance (1 of 4 stars; one submission).

Submission:

GeneDx
Classification: Uncertain significance. Last evaluated: 2026-03-10. Review status: criteria provided, single submitter. Criteria: GeneDx Variant Classification Process June 2021. Collection method: clinical testing. Allele origin: germline.
Comment: Not observed at significant frequency in large population cohorts (gnomAD); In silico analysis supports that this missense variant has a deleterious effect on protein structure/function; Has not been previously published as pathogenic or benign to our knowledge.